The following is an entry in ClinVar:

ClinVar aggregate classification (germline): Uncertain significance. Review status: criteria provided, multiple submitters, no conflicts (2 of 4 stars). 2 submissions from 2 submitters: Uncertain significance (2). Last evaluated 2024-01-07.

Conditions:
Familial sleep-related hypermotor epilepsy. Also called: Autosomal Dominant Sleep-Related Hypermotor (Hyperkinetic) Epilepsy. Identifiers: Orphanet 98784, MedGen C3696898, MONDO:0000030.

Allele frequency attached by ClinVar (database versions not stated): TOPMed 0.00006.

Submissions (2):

Labcorp Genetics (formerly Invitae), Labcorp
Classification: Uncertain significance. Last evaluated: 2024-01-07. Review status: criteria provided, single submitter. Criteria: Invitae Variant Classification Sherloc (09022015). Collection method: clinical testing. Allele origin: germline.
Comment: This sequence change replaces alanine, which is neutral and non-polar, with glycine, which is neutral and non-polar, at codon 567 of the CHRNA4 protein (p.Ala567Gly). This variant is present in population databases (rs76895198, gnomAD 0.003%). This variant has not been reported in the literature in individuals affected with CHRNA4-related conditions. ClinVar contains an entry for this variant (Variation ID: 205035). Advanced modeling of protein sequence and biophysical properties (such as structural, functional, and spatial information, amino acid conservation, physicochemical variation, residue mobility, and thermodynamic stability) performed at Invitae indicates that this missense variant is not expected to disrupt CHRNA4 protein function with a negative predictive value of 80%. In summary, the available evidence is currently insufficient to determine the role of this variant in disease. Therefore, it has been classified as a Variant of Uncertain Significance.

GeneDx
Classification: Uncertain significance. Last evaluated: 2013-10-30. Review status: criteria provided, single submitter. Criteria: GeneDx Variant Classification (06012015). Collection method: clinical testing. Allele origin: germline. Affected: yes.
Comment: p.Ala567Gly (GCG>GGG): c.1700 C>G in exon 5 of the CHRNA4 gene (NM_000744.5)The Ala567Gly missense change has not been published as a mutation, nor has it been reported as a benign polymorphism to our knowledge. It was not observed in approximately 6,500 individuals of European and African American ancestry in the NHLBI Exome Sequencing Project, indicating it is not a common benign variant in these populations. Ala567Gly alters a position that is well conserved in the cytoplasmic domain of the CHRNA4 protein and in silico analysis predicts this variant is probably damaging to the protein structure/function. However, this amino acid substitution does not occur within the transmembrane region of the protein, where the vast majority of pathogenic missense mutations have been identified in association with epilepsy (Steinlein et al., 2010). In addition, this variant is a conservative substitution of one uncharged, non-polar amino acid for another. Therefore, based on the currently available information, it is unclear whether Ala567Gly is a disease-causing mutation or a rare benign variant. The variant is found in CHILD-EPI panel(s).

NM_000744.7(CHRNA4):c.1700C>G (p.Ala567Gly)

Gene: CHRNA4 (cholinergic receptor nicotinic alpha 4 subunit; minus strand). Cytogenetic location: 20q13.33.
Variant type: single nucleotide variant.
Coding change: c.1700C>G on transcript NM_000744.7 (MANE Select); coding-DNA position 1700, C replaced by G.
Protein change: p.Ala567Gly; replaces alanine 567 with glycine.
Molecular consequence: missense variant. On other transcripts: non-coding transcript variant (1).
Genome position (GRCh38, 1-based): chr20:63,349,711, G>C on the plus strand (C>G on the coding strand, the complement: CHRNA4 is on the minus strand). VCF-style: chr20-63349711-G-C. GRCh37 (hg19) VCF-style: chr20-61981063-G-C.
Other names: p.A567G:GCG>GGG; c.1172C>G, p.Ala391Gly (NM_001256573.2); short protein forms A567G, A391G.
Identifiers: ClinVar variation 205035 (VCV000205035.10), dbSNP rs76895198, ClinGen allele CA313589.